The following is an entry in ClinVar:

ClinVar aggregate classification (germline): Pathogenic/Likely pathogenic. Review status: criteria provided, multiple submitters, no conflicts (2 of 4 stars). 9 submissions from 9 submitters: Pathogenic (6); Likely pathogenic (2). 1 of the submissions does not count toward it. Last evaluated 2026-09-08.

Conditions:
CUBN-related disorder. Also called: CUBN-related condition.
CUBN-related disorders.
Imerslund-Grasbeck syndrome type 1 (IGS1). Also called: MEGALOBLASTIC ANEMIA, 1; Imerslund-Gräsbeck syndrome 1; Megaloblastic anemia 1, Finnish type. Identifiers: MedGen C4016819, MONDO:0100156, OMIM 261100.
Proteinuria, chronic benign. Identifiers: MedGen C5394384, MONDO:0030042, OMIM 618884.
Proteinuria. Identifiers: MedGen C0033687, MONDO:0003634, HP:0000093.
Imerslund-Grasbeck syndrome. Also called: Imerslund-Gräsbeck syndrome; ENTEROCYTE COBALAMIN MALABSORPTION; ENTEROCYTE INTRINSIC FACTOR RECEPTOR, DEFECT OF; Megaloblastic anemia due to inborn errors of metabolism; PERNICIOUS ANEMIA, JUVENILE, DUE TO SELECTIVE INTESTINAL MALABSORPTION OF VITAMIN B12, WITH PROTEINURIA. Identifiers: Orphanet 35858, MedGen C4551825, MONDO:0009853.
Chronic kidney disease. Identifiers: MedGen C1561643, MONDO:0005300, HP:0012622.

Submissions (9):

GeneDx
Classification: Pathogenic. Last evaluated: 2026-09-08. Review status: criteria provided, single submitter. Criteria: GeneDx Variant Classification Process June 2021. Collection method: clinical testing. Allele origin: germline.
Comment: Identified with a second CUBN variant in a patient with persistent nephrotic proteinuria, diffuse foot process effacement of podocytes, and variable thickness of the glomerular basal membrane in published literature (PMID: 36913226); Frameshift variant predicted to result in protein truncation or nonsense mediated decay in a gene for which loss of function is a known mechanism of disease; This variant is associated with the following publications: (PMID: 23685560, 31980526, 31589614, 36913226, 31613795)

Labcorp Genetics (formerly Invitae), Labcorp
Classification: Pathogenic for Imerslund-Grasbeck syndrome. Last evaluated: 2025-08-18. Review status: criteria provided, single submitter. Criteria: Invitae Variant Classification Sherloc (09022015). Collection method: clinical testing. Allele origin: germline.
Comment: This sequence change creates a premature translational stop signal (p.Glu2310Cysfs*3) in the CUBN gene. It is expected to result in an absent or disrupted protein product. Loss-of-function variants in CUBN are known to be pathogenic (PMID: 15024727, 22929189, 25349199, 31613795, 34979989). This variant is present in population databases (rs757649673, gnomAD 0.03%). This variant has not been reported in the literature in individuals affected with CUBN-related conditions. ClinVar contains an entry for this variant (Variation ID: 189227). For these reasons, this variant has been classified as Pathogenic.

Laboratory of Genetics, Children's Clinical University Hospital Latvia
Classification: Likely pathogenic. Last evaluated: 2025-02-16. Review status: criteria provided, single submitter. Criteria: ACMG Guidelines, 2015. Collection method: clinical testing. Allele origin: germline. Affected: yes.

Blueprint Genetics
Classification: Pathogenic for CUBN-related disorders. Last evaluated: 2024-11-06. Review status: criteria provided, single submitter. Criteria: ACMG Guidelines, 2015. Collection method: clinical testing. Allele origin: germline. Affected: yes. Observed: 5 variant alleles.

Cambridge Genomics Laboratory, East Genomic Laboratory Hub, NHS Genomic Medicine Service
Classification: Likely pathogenic for Proteinuria. Last evaluated: 2022-01-06. Review status: criteria provided, single submitter. Criteria: ACGS Best Practice Guidelines for Variant Classification in Rare Disease 2020. Collection method: clinical testing. Allele origin: germline. Affected: yes. Observed: 1 variant allele.

Molecular Diagnostics Lab, Nemours Children's Health, Delaware
Classification: Pathogenic for Chronic kidney disease. Last evaluated: 2021-08-12. Review status: criteria provided, single submitter. Criteria: ACMG Guidelines, 2015. Collection method: clinical testing. Allele origin: unknown. Inheritance: Autosomal recessive inheritance. Affected: yes. Observed: 1 homozygote.
Comment: This variant (c.6928_6934del, p.Glu2310Cysfs*3) predicts a frameshift to a premature stop codon. It has been observed at extremely low frequency in population databases (gnomAD) and has been reported in the literature (PMID 25349199, 22929189, 15024727), although no functional studies have been reported.

Fulgent Genetics
Classification: Pathogenic for Imerslund-Grasbeck syndrome type 1; Proteinuria, chronic benign. Last evaluated: 2021-06-30. Review status: criteria provided, single submitter. Criteria: ACMG Guidelines, 2015. Collection method: clinical testing. Allele origin: unknown.
Comment: This variant has been detected in individual(s) who were sent for testing of Renasight - kidney gene panel.

Laboratory for Molecular Medicine, Mass General Brigham Personalized Medicine
Classification: Pathogenic for Imerslund-Gräsbeck syndrome. Last evaluated: 2014-12-15. Review status: criteria provided, single submitter. Criteria: LMM Criteria. Collection method: clinical testing. Allele origin: germline. Inheritance: Autosomal recessive inheritance. Observed: 1 variant allele. Study: CSER-MedSeq.
Comment: The Glu2310CysfsX3 variant is predicted to alter the protein’s amino acid sequence beginning at position 2310 and lead to a premature termination codon 3 amino acids downstream. This alteration is then predicted to lead to a truncated or absent protein. In summary, this variant meets our criteria for pathogenicity.

PreventionGenetics, part of Exact Sciences
Classification: Pathogenic for CUBN-related condition. Last evaluated: 2024-02-14. Review status: no assertion criteria provided. Collection method: clinical testing. Allele origin: germline. Not counted in ClinVar's aggregate classification.
Comment: The CUBN c.6928_6934del7 variant is predicted to result in a frameshift and premature protein termination (p.Glu2310Cysfs*3). This variant has been reported along with a second truncating variant in a patient with chronic proteinuria (Table S2 of Bedin et al. 2020. PubMed ID: 31613795). This variant is reported in 0.028% of alleles in individuals of European (Non-Finnish) descent in gnomAD. Frameshift variants in CUBN are expected to be pathogenic. This variant is interpreted as pathogenic.

Literature cited by the submitters: PubMed 15024727 (cited by Labcorp Genetics (formerly Invitae), Labcorp and Molecular Diagnostics Lab, Nemours Children's Health, Delaware); PubMed 22929189 (cited by Labcorp Genetics (formerly Invitae), Labcorp and Molecular Diagnostics Lab, Nemours Children's Health, Delaware); PubMed 25349199 (cited by Labcorp Genetics (formerly Invitae), Labcorp and Molecular Diagnostics Lab, Nemours Children's Health, Delaware); PubMed 31613795 (cited by Labcorp Genetics (formerly Invitae), Labcorp); PubMed 34979989 (cited by Labcorp Genetics (formerly Invitae), Labcorp).

NM_001081.4(CUBN):c.6928_6934del (p.Glu2310fs)

Gene: CUBN (cubilin; minus strand). Cytogenetic location: 10p13.
Variant type: Deletion.
Coding change: c.6928_6934del on transcript NM_001081.4 (MANE Select); coding-DNA positions 6928 to 6934, 7 bases deleted (GAGGTTA; older notation c.6928_6934delGAGGTTA).
Protein change: p.Glu2310fs; shifts the reading frame from glutamic acid 2310.
Molecular consequence: frameshift variant.
Genome position (GRCh38, 1-based): chr10:16,918,688-16,918,694, TAACCTC deleted on the plus strand (GAGGTTA on the coding strand, the reverse complement: CUBN is on the minus strand); deleting any 7 consecutive bases within chr10:16,918,688-16,918,695 gives the same sequence; the c. name uses the placement nearest the transcript's 3' end. VCF-style (leftmost placement, unchanged base first): chr10-16918687-ATAACCTC-A. GRCh37 (hg19) VCF-style: chr10-16960686-ATAACCTC-A.
Other names: c.6928_6934delGAGGTTA (NM_001081.3); short protein forms E2310fs.
Identifiers: ClinVar variation 189227 (VCV000189227.23), dbSNP rs757649673, ClinGen allele CA199159.